The following is an entry in ClinVar:

ClinVar aggregate classification (germline): Uncertain significance. Review status: criteria provided, multiple submitters, no conflicts (2 of 4 stars). 2 submissions from 2 submitters: Uncertain significance (2). Last evaluated 2024-01-22.

Conditions:
Dilated cardiomyopathy 1DD (CMD1DD). Identifiers: Orphanet 154, MedGen C2750995, MONDO:0013168, OMIM 613172.

Submissions (2):

Blueprint Genetics
Classification: Uncertain significance. Last evaluated: 2024-01-22. Review status: criteria provided, single submitter. Criteria: ACMG Guidelines, 2015. Collection method: clinical testing. Allele origin: germline.

Labcorp Genetics (formerly Invitae), Labcorp
Classification: Uncertain significance for Dilated cardiomyopathy 1DD. Last evaluated: 2021-02-23. Review status: criteria provided, single submitter. Criteria: Invitae Variant Classification Sherloc (09022015). Collection method: clinical testing. Allele origin: germline.
Comment: In summary, the available evidence is currently insufficient to determine the role of this variant in disease. Therefore, it has been classified as a Variant of Uncertain Significance. Advanced modeling of protein sequence and biophysical properties (such as structural, functional, and spatial information, amino acid conservation, physicochemical variation, residue mobility, and thermodynamic stability) performed at Invitae indicates that this missense variant is not expected to disrupt RBM20 protein function. This variant has not been reported in the literature in individuals with RBM20-related conditions. This variant is not present in population databases (ExAC no frequency). This sequence change replaces threonine with isoleucine at codon 564 of the RBM20 protein (p.Thr564Ile). The threonine residue is highly conserved and there is a moderate physicochemical difference between threonine and isoleucine.

NM_001134363.3(RBM20):c.1691C>T (p.Thr564Ile)

Gene: RBM20 (RNA binding motif protein 20; plus strand). Cytogenetic location: 10q25.2.
Variant type: single nucleotide variant.
Coding change: c.1691C>T on transcript NM_001134363.3 (MANE Select); coding-DNA position 1691, C replaced by T.
Protein change: p.Thr564Ile; replaces threonine 564 with isoleucine.
Molecular consequence: missense variant.
Genome position (GRCh38, 1-based): chr10:110,799,809, C>T. VCF-style: chr10-110799809-C-T. GRCh37 (hg19) VCF-style: chr10-112559567-C-T.
Other names: short protein forms T564I.
Identifiers: ClinVar variation 1481079 (VCV001481079.9), dbSNP rs1844598194, ClinGen allele CA378390673.